The following is an entry in ClinVar:

ClinVar aggregate classification (germline): Conflicting classifications of pathogenicity. Review status: criteria provided, conflicting classifications (1 of 4 stars). 3 submissions from 3 submitters: Uncertain significance (1); Likely benign (1). 1 of the submissions does not count toward it. Last evaluated 2025-12-16.

Conditions:
Hereditary cancer-predisposing syndrome. Also called: Neoplastic Syndromes, Hereditary; Tumor predisposition; Hereditary neoplastic syndrome; Hereditary Cancer Syndrome. Identifiers: Orphanet 140162, MedGen C0027672, MeSH D009386, MONDO:0015356.
Bloom syndrome (BLM). Also called: Bloom-Torre-Machacek syndrome. Identifiers: Orphanet 125, MedGen C0005859, MONDO:0008876, OMIM 210900.

Allele frequency attached by ClinVar (database versions not stated): gnomAD exomes below 0.00001; TOPMed below 0.00001; ExAC 0.00001.
gnomAD v4.1: 8 of 1,614,140 alleles (0.0005%); highest among the groups gnomAD compares: South Asian, 0.0011%; no homozygotes.

Submissions (3):

Labcorp Genetics (formerly Invitae), Labcorp
Classification: Uncertain significance for Bloom syndrome. Last evaluated: 2025-12-16. Review status: criteria provided, single submitter. Criteria: Invitae Variant Classification Sherloc (09022015). Collection method: clinical testing. Allele origin: germline.
Comment: This sequence change replaces aspartic acid, which is acidic and polar, with asparagine, which is neutral and polar, at codon 1316 of the BLM protein (p.Asp1316Asn). This variant is present in population databases (rs779179608, gnomAD 0.0009%). This variant has not been reported in the literature in individuals affected with BLM-related conditions. ClinVar contains an entry for this variant (Variation ID: 824409). Invitae Evidence Modeling of protein sequence and biophysical properties (such as structural, functional, and spatial information, amino acid conservation, physicochemical variation, residue mobility, and thermodynamic stability) indicates that this missense variant is not expected to disrupt BLM protein function with a negative predictive value of 80%. In summary, the available evidence is currently insufficient to determine the role of this variant in disease. Therefore, it has been classified as a Variant of Uncertain Significance.

Ambry Genetics
Classification: Likely benign for Hereditary cancer-predisposing syndrome. Last evaluated: 2023-11-15. Review status: criteria provided, single submitter. Criteria: Ambry Variant Classification Scheme 2023. Collection method: clinical testing. Allele origin: germline.

Natera, Inc.
Classification: Uncertain significance for Bloom syndrome. Last evaluated: 2020-09-16. Review status: no assertion criteria provided. Collection method: clinical testing. Allele origin: germline. Not counted in ClinVar's aggregate classification.

NM_000057.4(BLM):c.3946G>A (p.Asp1316Asn)

Gene: BLM (BLM RecQ like helicase; plus strand). Cytogenetic location: 15q26.1.
Variant type: single nucleotide variant.
Coding change: c.3946G>A on transcript NM_000057.4 (MANE Select); coding-DNA position 3946, G replaced by A.
Protein change: p.Asp1316Asn; replaces aspartic acid 1316 with asparagine.
Molecular consequence: missense variant.
Genome position (GRCh38, 1-based): chr15:90,811,276, G>A. VCF-style: chr15-90811276-G-A. GRCh37 (hg19) VCF-style: chr15-91354506-G-A.
Other names: c.3946G>A, p.Asp1316Asn (NM_001287246.2); c.3553G>A, p.Asp1185Asn (NM_001287247.2); c.2821G>A, p.Asp941Asn (NM_001287248.2); short protein forms D1316N, D1185N, D941N.
Identifiers: ClinVar variation 824409 (VCV000824409.12), dbSNP rs779179608, ClinGen allele CA7739166.